The following is an entry in ClinVar:

ClinVar aggregate classification (germline): Likely pathogenic (1 of 4 stars; one submission).

Submission:

GeneDx
Classification: Likely pathogenic. Last evaluated: 2024-05-21. Review status: criteria provided, single submitter. Criteria: GeneDx Variant Classification Process June 2021. Collection method: clinical testing. Allele origin: germline. Affected: yes.
Comment: Frameshift variant predicted to result in protein truncation or nonsense mediated decay in a gene for which loss of function is a known mechanism of disease; Has not been previously published as pathogenic or benign to our knowledge

NM_207037.2(TCF12):c.1254_1257dup (p.Glu420delinsLeuTer)

Gene: TCF12 (transcription factor 12; plus strand). Cytogenetic location: 15q21.3.
Variant type: Duplication.
Coding change: c.1254_1257dup on transcript NM_207037.2 (MANE Select); coding-DNA positions 1254 to 1257, 4 bases duplicated (CTGT; older notation c.1254_1257dupCTGT).
Protein change: p.Glu420delinsLeuTer.
Molecular consequence: nonsense. On other transcripts: intron variant (8).
Genome position (GRCh38, 1-based): chr15:57,252,486-57,252,489, CTGT duplicated; duplicating any 4 consecutive bases within chr15:57,252,483-57,252,489 gives the same sequence; the c. name uses the placement nearest the transcript's 3' end. VCF-style (leftmost placement, unchanged base first): chr15-57252482-A-ATGTC. GRCh37 (hg19) VCF-style: chr15-57544680-A-ATGTC.
Other names: c.744_747dup, p.Glu250delinsLeuTer (NM_001306219.3); c.1254_1257dup, p.Glu420delinsLeuTer (NM_001322151.2, NM_001322152.2, NM_001322159.3 and 3 more transcripts); c.597_600dup, p.Glu201delinsLeuTer (NM_001322154.2); c.1080_1083dup, p.Glu362delinsLeuTer (NM_001322156.2); c.1189-776_1189-773dup (NM_001322157.3, NM_003205.4, NM_207038.2 and 1 more transcripts); c.1015-776_1015-773dup (NM_001322158.2); c.1225-776_1225-773dup (NM_001322164.2); c.679-776_679-773dup (NM_207040.2); and 1 more.
Identifiers: ClinVar variation 3381381 (VCV003381381.1).